The following is an entry in ClinVar:

ClinVar aggregate classification (germline): Pathogenic (1 of 4 stars; one submission).

Conditions:
Isolated microphthalmia 5. Also called: Posterior Microphthalmia with Retinitis Pigmentosa, Foveoschisis, and Optic Disc Drusen. Identifiers: Orphanet 251279, MedGen C1970236, MONDO:0012605, OMIM 611040.

Submission:

Labcorp Genetics (formerly Invitae), Labcorp
Classification: Pathogenic for Isolated microphthalmia 5. Last evaluated: 2022-12-03. Review status: criteria provided, single submitter. Criteria: Invitae Variant Classification Sherloc (09022015). Collection method: clinical testing. Allele origin: germline.
Comment: This variant has not been reported in the literature in individuals affected with MFRP-related conditions. For these reasons, this variant has been classified as Pathogenic. This variant is not present in population databases (gnomAD no frequency). This sequence change creates a premature translational stop signal (p.Asn167Lysfs*26) in the MFRP gene. It is expected to result in an absent or disrupted protein product. Loss-of-function variants in MFRP are known to be pathogenic (PMID: 12140190, 15976030, 20361016).

Literature cited by the submitters: PubMed 12140190; PubMed 15976030; PubMed 20361016.

NM_031433.4(MFRP):c.499_500dup (p.Asn167fs)

Genes: C1QTNF5 (C1q and TNF related 5; minus strand), MFRP (membrane frizzled-related protein; minus strand). Cytogenetic location: 11q23.3.
Variant type: Duplication.
Coding change: c.499_500dup on transcript NM_031433.4 (MANE Select); coding-DNA positions 499 to 500, 2 bases duplicated (AA; older notation c.499_500dupAA).
Protein change: p.Asn167fs; shifts the reading frame from asparagine 167.
Molecular consequence: frameshift variant. On other transcripts: 5 prime UTR variant (1).
Genome position (GRCh38, 1-based): chr11:119,345,561-119,345,562, TT duplicated on the plus strand (AA on the coding strand, the reverse complement: MFRP is on the minus strand). VCF-style (leftmost placement, unchanged base first): chr11-119345560-G-GTT. GRCh37 (hg19) VCF-style: chr11-119216270-G-GTT.
Other names: c.-2138_-2137dup (NM_015645.5); short protein forms N167fs.
Identifiers: ClinVar variation 2818349 (VCV002818349.3), dbSNP rs1353587068, ClinGen allele CA2616411976.